The following is an entry in ClinVar:

NM_001369.3(DNAH5):c.3184C>T (p.Gln1062Ter)

Genes: DNAH5 (dynein axonemal heavy chain 5; minus strand), DNAH5-AS1 (DNAH5 antisense RNA 1; plus strand). Cytogenetic location: 5p15.2.
Variant type: single nucleotide variant.
Coding change: c.3184C>T on transcript NM_001369.3 (MANE Select); coding-DNA position 3184, C replaced by T.
Protein change: p.Gln1062Ter; replaces glutamine 1062 with a stop codon.
Molecular consequence: nonsense.
Genome position (GRCh38, 1-based): chr5:13,882,806, G>A on the plus strand (C>T on the coding strand, the complement: DNAH5 is on the minus strand). VCF-style: chr5-13882806-G-A. GRCh37 (hg19) VCF-style: chr5-13882915-G-A.
Other names: short protein forms Q1062*.
Identifiers: ClinVar variation 1415900 (VCV001415900.6), dbSNP rs1440167859, ClinGen allele CA359192460.
Genomic context (GRCh38, chr5:13,882,806, plus strand): 5'-CCATTTCAACATCAGAATCACTGTCTTCATTACTCTGCAAAGCAGCCATTTTTCTTTCTT[G>A]TATCTTTTTCTACAATGTAAAAGGATATTTTTCAGTTCTGTCCTATCTGTAAAAGAAGTG-3'

ClinVar aggregate classification (germline): Pathogenic (1 of 4 stars; one submission).

Conditions:
Primary ciliary dyskinesia. Also called: Ciliary dyskinesia. Identifiers: Orphanet 244, MedGen C0008780, MONDO:0016575, HP:0012265.

Submission:

Labcorp Genetics (formerly Invitae), Labcorp
Classification: Pathogenic for Primary ciliary dyskinesia. Last evaluated: 2021-08-24. Review status: criteria provided, single submitter. Criteria: Invitae Variant Classification Sherloc (09022015). Collection method: clinical testing. Allele origin: germline.
Comment: This variant has not been reported in the literature in individuals affected with DNAH5-related conditions. This sequence change creates a premature translational stop signal (p.Gln1062*) in the DNAH5 gene. It is expected to result in an absent or disrupted protein product. Loss-of-function variants in DNAH5 are known to be pathogenic (PMID: 11788826, 16627867). This variant is not present in population databases (ExAC no frequency). For these reasons, this variant has been classified as Pathogenic.

Literature cited by the submitters: PubMed 11788826; PubMed 16627867.